The following is an entry in ClinVar:

ClinVar aggregate classification (germline): Conflicting classifications of pathogenicity. Review status: criteria provided, conflicting classifications (1 of 4 stars). 6 submissions from 6 submitters: Likely pathogenic (4); Uncertain significance (1). 1 of the submissions does not count toward it. Last evaluated 2026-04-30.

Conditions:
Cardiovascular phenotype. Identifiers: MedGen CN230736.
Noonan syndrome (NS). Also called: Noonan's syndrome. Identifiers: Orphanet 648, MedGen C0028326, MeSH D009634, MONDO:0018997. Disease mechanism: gain of function.
RAF1-related disorder. Also called: RAF1-related disorders; RAF1-related condition.
RASopathy. Also called: Noonan spectrum disorder; rasopathies. Identifiers: Orphanet 536391, MedGen C5555857, MONDO:0021060.

Submissions (6):

Ambry Genetics
Classification: Uncertain significance for Cardiovascular phenotype. Last evaluated: 2026-04-30. Review status: criteria provided, single submitter. Criteria: Ambry Variant Classification Scheme 2023. Collection method: clinical testing. Allele origin: germline.
Comment: The p.N262H variant (also known as c.784A>C), located in coding exon 6 of the RAF1 gene, results from an A to C substitution at nucleotide position 784. The asparagine at codon 262 is replaced by histidine, an amino acid with similar properties. This variant was reported in individual(s) with features consistent with RAF1-related RASopathy (Leach NT et al. Genet Med, 2019 Feb;21:417-425; Chung CCY et al. Lancet Reg Health West Pac, 2020 Aug;1:100001; Ambry internal data). Other variant(s) at the same codon, p.N262D (c.784A>G), have been identified in individual(s) with features consistent with RAF1-related RASopathy, particularly hypertrophic cardiomyopathy; in at least one individual, it was determined to be de novo or the result of germline mosaicism (Ambry internal data; external communication). This amino acid position is highly conserved in available vertebrate species. In addition, the in silico prediction for this alteration is inconclusive. Based on the available evidence, the clinical significance of this variant remains unclear.

Women's Health and Genetics/Laboratory Corporation of America, LabCorp
Classification: Likely pathogenic for RASopathy. Last evaluated: 2026-02-13. Review status: criteria provided, single submitter. Criteria: LabCorp Variant Classification Summary - May 2015. Collection method: clinical testing. Allele origin: germline.
Comment: Variant summary: RAF1 c.784A>C (p.Asn262His) results in a conservative amino acid change in the encoded protein sequence. Algorithms developed to predict the effect of missense changes on protein structure and function are either unavailable or do not agree on the potential impact of this missense change. The variant was absent in 251466 control chromosomes. c.784A>C has been observed in individual(s) affected with Noonan Syndrome And Related Conditions (e.g. Leach_2019, Chung_2020). To our knowledge, no experimental evidence demonstrating an impact on protein function has been reported. Multiple variants located at the same codon (c.786T>G, p.Asn262Lys; c.784A>G, p.Asn262Asp) have been classified as Pathogenic/Likely Pathogenic, supporting a critical relevance of this residue to RAF1 protein function. The following publications have been ascertained in the context of this evaluation (PMID: 34327338, 29907801). ClinVar contains an entry for this variant (Variation ID: 860864). Based on the evidence outlined above, the variant was classified as likely pathogenic.

GeneDx
Classification: Likely pathogenic. Last evaluated: 2025-10-29. Review status: criteria provided, single submitter. Criteria: GeneDx Variant Classification Process June 2021. Collection method: clinical testing. Allele origin: germline.
Comment: Identified in fetus with a cystic hygroma, however additional clinical information was not provided (PMID: 29907801); Not observed at significant frequency in large population cohorts (gnomAD); Missense variants in this gene are a common cause of disease and they are underrepresented in the general population; In silico analysis supports that this missense variant has a deleterious effect on protein structure/function; This variant is associated with the following publications: (PMID: 15520807, 17603482, 17603483, 19020799, 24957944, 29493581, 9689060, 30050098, 29907801, 40550458)

Labcorp Genetics (formerly Invitae), Labcorp
Classification: Likely pathogenic for RASopathy. Last evaluated: 2025-03-18. Review status: criteria provided, single submitter. Criteria: Invitae Variant Classification Sherloc (09022015). Collection method: clinical testing. Allele origin: germline.
Comment: This sequence change replaces asparagine, which is neutral and polar, with histidine, which is basic and polar, at codon 262 of the RAF1 protein (p.Asn262His). This variant is not present in population databases (gnomAD no frequency). This missense change has been observed in individual(s) with clinical features of RAF1-related conditions (PMID: 29907801). ClinVar contains an entry for this variant (Variation ID: 860864). Invitae Evidence Modeling of protein sequence and biophysical properties (such as structural, functional, and spatial information, amino acid conservation, physicochemical variation, residue mobility, and thermodynamic stability) indicates that this missense variant is expected to disrupt RAF1 protein function with a positive predictive value of 95%. This variant disrupts the p.Asn262 amino acid residue in RAF1. Other variant(s) that disrupt this residue have been determined to be pathogenic (PMID: 20052757, 30732632). This suggests that this residue is clinically significant, and that variants that disrupt this residue are likely to be disease-causing. In summary, the currently available evidence indicates that the variant is pathogenic, but additional data are needed to prove that conclusively. Therefore, this variant has been classified as Likely Pathogenic.

Blueprint Genetics
Classification: Likely pathogenic for RAF1-related disorders. Last evaluated: 2023-08-28. Review status: criteria provided, single submitter. Criteria: ACMG Guidelines, 2015. Collection method: clinical testing. Allele origin: germline. Affected: yes. Observed: 1 variant allele.

Service de Génétique Moléculaire, Hôpital Robert Debré
Classification: Likely pathogenic for Noonan syndrome. Review status: no assertion criteria provided. Collection method: clinical testing. Allele origin: de novo. Affected: yes. Not counted in ClinVar's aggregate classification.

Literature cited by the submitters: PubMed 29907801 (cited by 3 submitters); PubMed 34327338 (cited by Ambry Genetics and Women's Health and Genetics/Laboratory Corporation of America, LabCorp); PubMed 20052757 (cited by Labcorp Genetics (formerly Invitae), Labcorp); PubMed 30732632 (cited by Labcorp Genetics (formerly Invitae), Labcorp).

NM_002880.4(RAF1):c.784A>C (p.Asn262His)

Gene: RAF1 (Raf-1 proto-oncogene, serine/threonine kinase; minus strand). Cytogenetic location: 3p25.2.
Variant type: single nucleotide variant.
Coding change: c.784A>C on transcript NM_002880.4 (MANE Select); coding-DNA position 784, A replaced by C.
Protein change: p.Asn262His; replaces asparagine 262 with histidine.
Molecular consequence: missense variant. On other transcripts: non-coding transcript variant (3).
Genome position (GRCh38, 1-based): chr3:12,604,186, T>G on the plus strand (A>C on the coding strand, the complement: RAF1 is on the minus strand). VCF-style: chr3-12604186-T-G. GRCh37 (hg19) VCF-style: chr3-12645685-T-G.
Other names: c.784A>C, p.Asn262His (NM_001354689.3, NM_001354690.3); c.541A>C, p.Asn181His (NM_001354691.3, NM_001354692.3, NM_001354694.3); c.685A>C, p.Asn229His (NM_001354693.3); c.442A>C, p.Asn148His (NM_001354695.3); short protein forms N262H, N229H, N148H, N181H.
Identifiers: ClinVar variation 860864 (VCV000860864.16), dbSNP rs1575573204, ClinGen allele CA351512381.
Genomic context (GRCh38, chr3:12,604,186, plus strand): 5'-GCCCTATTACCTCAATCATCCTGCTGTCCACAGGCAGGGTGGTGCTGACCATGTGGACAT[T>G]AGGTGTGGATGTCGACCTCTGCCTCTGGGAGAGGGAACCTTCAGATGAGGGACTGGAGGT-3'
Protein context (NP_002871.1, residues 252-272): SQRQRSTSTP[Asn262His]VHMVSTTLPV